The following is an entry in ClinVar:

ClinVar aggregate classification (germline): Uncertain significance (1 of 4 stars; one submission).

Submission:

GeneDx
Classification: Uncertain significance. Last evaluated: 2026-07-07. Review status: criteria provided, single submitter. Criteria: GeneDx Variant Classification Process June 2021. Collection method: clinical testing. Allele origin: germline.
Comment: Has not been previously published as pathogenic or benign to our knowledge; Not observed at significant frequency in large population cohorts (gnomAD); In silico analysis supports that this missense variant has a deleterious effect on protein structure/function

NM_133259.4(LRPPRC):c.2528A>C (p.Glu843Ala)

Gene: LRPPRC (leucine rich pentatricopeptide repeat containing; minus strand). Cytogenetic location: 2p21.
Variant type: single nucleotide variant.
Coding change: c.2528A>C on transcript NM_133259.4 (MANE Select); coding-DNA position 2528, A replaced by C.
Protein change: p.Glu843Ala; replaces glutamic acid 843 with alanine.
Molecular consequence: missense variant.
Genome position (GRCh38, 1-based): chr2:43,934,855, T>G on the plus strand (A>C on the coding strand, the complement: LRPPRC is on the minus strand). VCF-style: chr2-43934855-T-G. GRCh37 (hg19) VCF-style: chr2-44161994-T-G.
Other names: short protein forms E843A.
Identifiers: ClinVar variation 4530013 (VCV004530013.2).